The following is an entry in ClinVar:

ClinVar aggregate classification (germline): Uncertain significance (1 of 4 stars; one submission).

Conditions:
Cystic fibrosis (CF). Also called: MUCOVISCIDOSIS. Identifiers: Orphanet 586, MedGen C0010674, MONDO:0009061, OMIM 219700. Disease mechanism: loss of function.

Submission:

Ambry Genetics
Classification: Uncertain significance for Cystic fibrosis. Last evaluated: 2022-05-21. Review status: criteria provided, single submitter. Criteria: Ambry Variant Classification Scheme 2023. Collection method: clinical testing. Allele origin: germline.
Comment: The p.T339S variant (also known as c.1016C>G), located in coding exon 8 of the CFTR gene, results from a C to G substitution at nucleotide position 1016. The threonine at codon 339 is replaced by serine, an amino acid with similar properties. This amino acid position is conserved. In addition, the in silico prediction for this alteration is inconclusive. Since supporting evidence is limited at this time, the clinical significance of this alteration remains unclear.

NM_000492.4(CFTR):c.1016C>G (p.Thr339Ser)

Gene: CFTR (CF transmembrane conductance regulator; plus strand). Cytogenetic location: 7q31.2.
Variant type: single nucleotide variant.
Coding change: c.1016C>G on transcript NM_000492.4 (MANE Select); coding-DNA position 1016, C replaced by G.
Protein change: p.Thr339Ser; replaces threonine 339 with serine.
Molecular consequence: missense variant.
Genome position (GRCh38, 1-based): chr7:117,540,246, C>G. VCF-style: chr7-117540246-C-G. GRCh37 (hg19) VCF-style: chr7-117180300-C-G.
Other names: short protein forms T339S.
Identifiers: ClinVar variation 1744857 (VCV001744857.2), dbSNP rs2485026871, ClinGen allele CA368978789.